The following is an entry in ClinVar:

ClinVar aggregate classification (germline): Uncertain significance. Review status: criteria provided, multiple submitters, no conflicts (2 of 4 stars). 2 submissions from 2 submitters: Uncertain significance (2). Last evaluated 2026-09-01.

Conditions:
Autosomal recessive limb-girdle muscular dystrophy type 2J (LGMDR10). Also called: MUSCULAR DYSTROPHY, LIMB-GIRDLE, AUTOSOMAL RECESSIVE 10; Limb-girdle muscular dystrophy, type 2J. Identifiers: Orphanet 140922, MedGen C1837342, MONDO:0012127, OMIM 608807.
Dilated cardiomyopathy 1G (CMD1G). Identifiers: Orphanet 154, MedGen C1858763, MONDO:0011400, OMIM 604145.

Allele frequency attached by ClinVar (database versions not stated): ExAC 0.00001; gnomAD 0.00001 and 0.00002; gnomAD exomes 0.00001; TOPMed 0.00001.
gnomAD v4.1: 21 of 1,613,714 alleles (0.0013%); highest among the groups gnomAD compares: Non-Finnish European, 0.0017%; no homozygotes.

Submissions (2):

CeGaT Center for Human Genetics Tuebingen
Classification: Uncertain significance. Last evaluated: 2026-09-01. Review status: criteria provided, single submitter. Criteria: CeGaT Center For Human Genetics Tuebingen Variant Classification Criteria Version 2. Collection method: clinical testing. Allele origin: germline. Affected: yes. Observed: 1 variant allele.
Comment: TTN: PM2, BP4

Labcorp Genetics (formerly Invitae), Labcorp
Classification: Uncertain significance for Dilated cardiomyopathy 1G; Autosomal recessive limb-girdle muscular dystrophy type 2J. Last evaluated: 2021-08-31. Review status: criteria provided, single submitter. Criteria: Invitae Variant Classification Sherloc (09022015). Collection method: clinical testing. Allele origin: germline.

NM_001267550.2(TTN):c.93737A>G (p.Lys31246Arg)

Genes: TTN (titin; minus strand), TTN-AS1 (TTN antisense RNA 1; plus strand). Cytogenetic location: 2q31.2.
Variant type: single nucleotide variant.
Coding change: c.93737A>G on transcript NM_001267550.2 (MANE Select); coding-DNA position 93737, A replaced by G.
Protein change: p.Lys31246Arg; replaces lysine 31246 with arginine.
Molecular consequence: missense variant.
Genome position (GRCh38, 1-based): chr2:178,547,889, T>C on the plus strand (A>G on the coding strand, the complement: TTN is on the minus strand). VCF-style: chr2-178547889-T-C. GRCh37 (hg19) VCF-style: chr2-179412616-T-C.
Other names: c.88814A>G, p.Lys29605Arg (NM_001256850.1); c.66542A>G, p.Lys22181Arg (NM_003319.4); c.86033A>G, p.Lys28678Arg (NM_133378.4); c.66917A>G, p.Lys22306Arg (NM_133432.3); c.67118A>G, p.Lys22373Arg (NM_133437.4); short protein forms K31246R, K22373R, K22306R, K22181R, K28678R, K29605R.
Identifiers: ClinVar variation 535002 (VCV000535002.5), dbSNP rs775611779, ClinGen allele CA1987253.